The following is an entry in ClinVar:

NM_006017.3(PROM1):c.731G>A (p.Arg244Gln)

Gene: PROM1 (prominin 1; minus strand). Cytogenetic location: 4p15.32.
Variant type: single nucleotide variant.
Coding change: c.731G>A on transcript NM_006017.3 (MANE Select); coding-DNA position 731, G replaced by A.
Protein change: p.Arg244Gln; replaces arginine 244 with glutamine.
Molecular consequence: missense variant.
Genome position (GRCh38, 1-based): chr4:16,023,379, C>T on the plus strand (G>A on the coding strand, the complement: PROM1 is on the minus strand). VCF-style: chr4-16023379-C-T. GRCh37 (hg19) VCF-style: chr4-16025002-C-T.
Other names: c.704G>A, p.Arg235Gln (NM_001145847.2, NM_001145848.2, NM_001145851.2 and 4 more transcripts); c.731G>A, p.Arg244Gln (NM_001145849.2, NM_001145850.2); short protein forms R244Q, R235Q.
Identifiers: ClinVar variation 348001 (VCV000348001.15), dbSNP rs369815021, ClinGen allele CA2866970.

ClinVar aggregate classification (germline): Conflicting classifications of pathogenicity. Review status: criteria provided, conflicting classifications (1 of 4 stars). 7 submissions from 4 submitters: Uncertain significance (6); Likely benign (1). Last evaluated 2025-07-27.

Conditions:
Retinitis pigmentosa (RP). Identifiers: Orphanet 791, MedGen C0035334, MeSH D012174, MONDO:0019200, OMIM 268000. Inheritance: Autosomal dominant, autosomal recessive and X linked inheritance.
Retinal dystrophy. Also called: Inherited retinal dystrophy. Identifiers: Orphanet 71862, MedGen C0854723, MeSH D058499, MONDO:0019118, HP:0000556.
Cone-rod dystrophy 12 (CORD12). Identifiers: Orphanet 1872, MedGen C2675210, MONDO:0012983, OMIM 612657.
Retinal macular dystrophy type 2 (MCDR2). Also called: Bull's eye macular dystrophy. Identifiers: Orphanet 319640, MedGen C4749334, MONDO:0011957, OMIM 608051.
Stargardt disease 4 (STGD4). Identifiers: Orphanet 827, MedGen C1863534, MONDO:0011370, OMIM 603786.

Allele frequency attached by ClinVar (database versions not stated): gnomAD 0.00011; TOPMed 0.00011; ESP Exome Variant Server 0.00016.
gnomAD v4.1: 149 of 1,607,220 alleles (0.0093%); highest among the groups gnomAD compares: Non-Finnish European, 0.011%; no homozygotes.

Submissions (7):

Labcorp Genetics (formerly Invitae), Labcorp
Classification: Uncertain significance. Last evaluated: 2025-07-27. Review status: criteria provided, single submitter. Criteria: Invitae Variant Classification Sherloc (09022015). Collection method: clinical testing. Allele origin: germline.
Comment: This sequence change replaces arginine, which is basic and polar, with glutamine, which is neutral and polar, at codon 244 of the PROM1 protein (p.Arg244Gln). This variant is present in population databases (rs369815021, gnomAD 0.02%). This variant has not been reported in the literature in individuals affected with PROM1-related conditions. ClinVar contains an entry for this variant (Variation ID: 348001). Invitae Evidence Modeling of protein sequence and biophysical properties (such as structural, functional, and spatial information, amino acid conservation, physicochemical variation, residue mobility, and thermodynamic stability) indicates that this missense variant is not expected to disrupt PROM1 protein function with a negative predictive value of 80%. In summary, the available evidence is currently insufficient to determine the role of this variant in disease. Therefore, it has been classified as a Variant of Uncertain Significance.

Dept Of Ophthalmology, Nagoya University
Classification: Uncertain significance for Retinal dystrophy. Last evaluated: 2023-10-01. Review status: criteria provided, single submitter. Criteria: Submitter's publication. Collection method: research. Allele origin: germline. Affected: yes.

Blueprint Genetics
Classification: Uncertain significance. Last evaluated: 2023-08-25. Review status: criteria provided, single submitter. Criteria: ACMG Guidelines, 2015. Collection method: clinical testing. Allele origin: germline.

Illumina Laboratory Services, Illumina
Classification: Uncertain significance for Retinal macular dystrophy type 2. Last evaluated: 2018-01-13. Review status: criteria provided, single submitter. Criteria: ICSL Variant Classification Criteria 13 December 2019. Collection method: clinical testing. Allele origin: germline.

Illumina Laboratory Services, Illumina
Classification: Likely benign for Cone-rod dystrophy 12. Last evaluated: 2018-01-13. Review status: criteria provided, single submitter. Criteria: ICSL Variant Classification Criteria 13 December 2019. Collection method: clinical testing. Allele origin: germline.
Comment: This variant was observed in the ICSL laboratory as part of a predisposition screen in an ostensibly healthy population. It had not been previously curated by ICSL or reported in the Human Gene Mutation Database (HGMD: prior to June 1st, 2018), and was therefore a candidate for classification through an automated scoring system. Utilizing variant allele frequency, disease prevalence and penetrance estimates, and inheritance mode, an automated score was calculated to assess if this variant is too frequent to cause the disease. Based on the score and internal cut-off values, a variant classified as likely benign is not then subjected to further curation. The score for this variant resulted in a classification of likely benign for this disease.

Illumina Laboratory Services, Illumina
Classification: Uncertain significance for Stargardt disease 4. Last evaluated: 2018-01-13. Review status: criteria provided, single submitter. Criteria: ICSL Variant Classification Criteria 13 December 2019. Collection method: clinical testing. Allele origin: germline.

Illumina Laboratory Services, Illumina
Classification: Uncertain significance for Retinitis pigmentosa. Last evaluated: 2018-01-13. Review status: criteria provided, single submitter. Criteria: ICSL Variant Classification Criteria 13 December 2019. Collection method: clinical testing. Allele origin: germline.